The following is an entry in ClinVar:

ClinVar aggregate classification (germline): Uncertain significance. Review status: criteria provided, multiple submitters, no conflicts (2 of 4 stars). 2 submissions from 2 submitters: Uncertain significance (2). Last evaluated 2025-04-19.

Conditions:
Glycogen storage disease IXa1. Also called: LIVER GLYCOGENOSIS, X-LINKED, TYPE I; GLYCOGEN STORAGE DISEASE VIII; GSD VIII; Glycogen storage disease 8. Identifiers: Orphanet 264580, MedGen C3694531, MONDO:0010598, OMIM 306000.

Allele frequency attached by ClinVar (database versions not stated): ExAC 0.00003; gnomAD 0.00004; gnomAD exomes 0.00005 and 0.00009; TOPMed 0.00006; ESP Exome Variant Server 0.00028.
gnomAD v4.1: 100 of 1,148,986 alleles (0.0087%); highest among the groups gnomAD compares: Non-Finnish European, 0.011%; no homozygotes.

Submissions (2):

Labcorp Genetics (formerly Invitae), Labcorp
Classification: Uncertain significance for Glycogen storage disease IXa1. Last evaluated: 2025-04-19. Review status: criteria provided, single submitter. Criteria: Invitae Variant Classification Sherloc (09022015). Collection method: clinical testing. Allele origin: germline.
Comment: This sequence change replaces threonine, which is neutral and polar, with alanine, which is neutral and non-polar, at codon 521 of the PHKA2 protein (p.Thr521Ala). This variant is present in population databases (rs137958637, gnomAD 0.01%), and has an allele count higher than expected for a pathogenic variant. This missense change has been observed in individual(s) with glycogen storage disease (PMID: 31987065). ClinVar contains an entry for this variant (Variation ID: 1524445). Invitae Evidence Modeling of protein sequence and biophysical properties (such as structural, functional, and spatial information, amino acid conservation, physicochemical variation, residue mobility, and thermodynamic stability) has been performed for this missense variant. However, the output from this modeling did not meet the statistical confidence thresholds required to predict the impact of this variant on PHKA2 protein function. In summary, the available evidence is currently insufficient to determine the role of this variant in disease. Therefore, it has been classified as a Variant of Uncertain Significance.

Women's Health and Genetics/Laboratory Corporation of America, LabCorp
Classification: Uncertain significance. Last evaluated: 2024-10-25. Review status: criteria provided, single submitter. Criteria: LabCorp Variant Classification Summary - May 2015. Collection method: clinical testing. Allele origin: germline.
Comment: Variant summary: PHKA2 c.1561A>G (p.Thr521Ala) results in a non-conservative amino acid change located in the GH15-like domain (IPR011613) of the encoded protein sequence. Four of five in-silico tools predict a damaging effect of the variant on protein function. The variant allele was found at a frequency of 5.5e-05 in 183424 control chromosomes. This frequency is not significantly higher than estimated for a pathogenic variant in PHKA2 causing Glycogen Phosphorylase Kinase Deficiency (5.5e-05 vs 0.00079), allowing no conclusion about variant significance. c.1561A>G has been reported in the literature in individuals affected with Glycogen Phosphorylase Kinase Deficiency (Smith_2020). These data indicate that the variant may be associated with disease. To our knowledge, no experimental evidence demonstrating an impact on protein function has been reported. The following publication have been ascertained in the context of this evaluation (PMID: 31987065). ClinVar contains an entry for this variant (Variation ID: 1524445). Based on the evidence outlined above, the variant was classified as VUS-possibly pathogenic.

Literature cited by the submitters: PubMed 31987065 (cited by Labcorp Genetics (formerly Invitae), Labcorp and Women's Health and Genetics/Laboratory Corporation of America, LabCorp).

NM_000292.3(PHKA2):c.1561A>G (p.Thr521Ala)

Gene: PHKA2 (phosphorylase kinase regulatory subunit alpha 2; minus strand). Cytogenetic location: Xp22.13.
Variant type: single nucleotide variant.
Coding change: c.1561A>G on transcript NM_000292.3 (MANE Select); coding-DNA position 1561, A replaced by G.
Protein change: p.Thr521Ala; replaces threonine 521 with alanine.
Molecular consequence: missense variant.
Genome position (GRCh38, 1-based): chrX:18,925,676, T>C on the plus strand (A>G on the coding strand, the complement: PHKA2 is on the minus strand). VCF-style: chrX-18925676-T-C. GRCh37 (hg19) VCF-style: chrX-18943794-T-C.
Other names: short protein forms T521A.
Identifiers: ClinVar variation 1524445 (VCV001524445.9), dbSNP rs137958637, ClinGen allele CA10361862.